The following is an entry in ClinVar:

ClinVar aggregate classification (germline): not provided (0 of 4 stars; one submission).

Conditions:
Preeclampsia. Identifiers: Orphanet 275555, MedGen C0032914, MONDO:0005081, HP:0100602.

Submission:

Institute of Molecular and Cell Biology, University of Tartu
No classification provided. Condition: Preeclampsia. Review status: no classification provided. Collection method: case-control. Allele origin: unknown. Affected: yes. Study: Kasak2014.
Comment: The study aimed to determine the contribution of copy number variants in the genetic etiology of normal and complicated pregnancies. The samples represented (i) maternal blood DNA drawn from healthy pregnant women during 1st or 2nd trimester and (ii) maternal and paternal blood DNA drawn at term pregnancy cases representing normal and complicated gestations (severe preeclampsia, PE; gestational diabetes, GD; small-for-gestational age newborn, SGA; large-for-gestational age newborn, LGA). We performed CNV calling based on genome-wide genotyping dataset (Illumina HumanOmniExpress-24-v1 BeadChip) by applying three algorithms, QuantiSNP, GADA (Genome Alteration Detection Algorithm) and CNstream in parallel. The acquired CNV calls were merged with HD-CNV (Hotspot Detector for Copy Number Variants) program and only the CNVs predicted by at least two programs, were considered in subsequent analysis.

Literature cited by the submitters: PubMed 25666259.

NM_001267803.1(PAAF1):c.*451_*70114dup

Genes: DNAJB13 (DnaJ heat shock protein family (Hsp40) member B13; plus strand), PAAF1 (proteasomal ATPase associated factor 1; plus strand), UCP2 (uncoupling protein 2; minus strand), LOC130006402 (ATAC-STARR-seq lymphoblastoid silent region 3749; plus strand), LOC130006403 (ATAC-STARR-seq lymphoblastoid silent region 3750; plus strand) and 5 more. Cytogenetic location: 11q13.4.
Variant type: Duplication.
Coding change: c.*451_*70114dup on transcript NM_001267803.1; 451 bases downstream of the stop codon through 70114 bases downstream of the stop codon, this stretch duplicated.
Identifiers: ClinVar variation 157207 (VCV000157207.2).